The following is an entry in ClinVar:

ClinVar aggregate classification (germline): Uncertain significance (1 of 4 stars; one submission).

Submission:

GeneDx
Classification: Uncertain significance. Last evaluated: 2026-03-18. Review status: criteria provided, single submitter. Criteria: GeneDx Variant Classification Process June 2021. Collection method: clinical testing. Allele origin: germline.
Comment: Not observed at significant frequency in large population cohorts (gnomAD); In silico analysis supports a deleterious effect on splicing; Has not been previously published as pathogenic or benign to our knowledge

NM_001242896.3(DEPDC5):c.946+5G>A

Gene: DEPDC5 (DEP domain containing 5, GATOR1 subcomplex subunit; plus strand). Cytogenetic location: 22q12.2.
Variant type: single nucleotide variant.
Coding change: c.946+5G>A on transcript NM_001242896.3 (MANE Select); 5 bases into the intron after coding-DNA position 946, G replaced by A.
Molecular consequence: intron variant.
Genome position (GRCh38, 1-based): chr22:31,798,661, G>A. VCF-style: chr22-31798661-G-A. GRCh37 (hg19) VCF-style: chr22-32194647-G-A.
Other names: c.946+5G>A (NM_001364318.2, NM_001136029.4, NM_014662.6 and 7 more transcripts); c.862+5G>A (NM_001369902.1, NM_001369901.1).
Identifiers: ClinVar variation 5009447 (VCV005009447.1).